The following is an entry in ClinVar:

NM_000059.4(BRCA2):c.4769A>T (p.Lys1590Met)

Gene: BRCA2 (BRCA2 DNA repair associated; plus strand). Cytogenetic location: 13q13.1.
Variant type: single nucleotide variant.
Coding change: c.4769A>T on transcript NM_000059.4 (MANE Select); coding-DNA position 4769, A replaced by T.
Protein change: p.Lys1590Met; replaces lysine 1590 with methionine.
Molecular consequence: missense variant. On other transcripts: non-coding transcript variant (1), intron variant (2).
Genome position (GRCh38, 1-based): chr13:32,339,124, A>T. VCF-style: chr13-32339124-A-T. GRCh37 (hg19) VCF-style: chr13-32913261-A-T.
Other names: c.4769A>T, p.Lys1590Met (NM_001406719.1, NM_001406720.1, NM_001432077.1); c.1910-5434A>T (NM_001406721.1); c.425-5434A>T (NM_001406722.1); short protein forms K1590M.
Identifiers: ClinVar variation 5033348 (VCV005033348.1).

ClinVar aggregate classification (germline): Uncertain significance (1 of 4 stars; one submission).

Conditions:
Hereditary cancer-predisposing syndrome. Also called: Neoplastic Syndromes, Hereditary; Tumor predisposition; Hereditary neoplastic syndrome; Hereditary Cancer Syndrome. Identifiers: Orphanet 140162, MedGen C0027672, MeSH D009386, MONDO:0015356.

Submission:

Ambry Genetics
Classification: Uncertain significance for Hereditary cancer-predisposing syndrome. Last evaluated: 2026-08-15. Review status: criteria provided, single submitter. Criteria: Ambry Variant Classification Scheme 2023. Collection method: clinical testing. Allele origin: germline.
Comment: The p.K1590M variant (also known as c.4769A>T), located in coding exon 10 of the BRCA2 gene, results from an A to T substitution at nucleotide position 4769. The lysine at codon 1590 is replaced by methionine, an amino acid with similar properties. This amino acid position is conserved. In addition, this alteration is predicted to be tolerated by in silico analysis. Based on the available evidence, the clinical significance of this variant remains unclear.